The following is an entry in ClinVar:

ClinVar aggregate classification (germline): Pathogenic/Likely pathogenic. Review status: criteria provided, multiple submitters, no conflicts (2 of 4 stars). 2 submissions from 2 submitters: Pathogenic (1); Likely pathogenic (1). Last evaluated 2023-11-01.

Conditions:
MYO7A-related disorder. Also called: MYO7A-related disorders.

Allele frequency attached by ClinVar (database versions not stated): gnomAD exomes below 0.00001; TOPMed 0.00001.

Submissions (2):

Labcorp Genetics (formerly Invitae), Labcorp
Classification: Pathogenic. Last evaluated: 2023-11-01. Review status: criteria provided, single submitter. Criteria: Invitae Variant Classification Sherloc (09022015). Collection method: clinical testing. Allele origin: germline.
Comment: This sequence change creates a premature translational stop signal (p.Tyr1712Leufs*9) in the MYO7A gene. It is expected to result in an absent or disrupted protein product. Loss-of-function variants in MYO7A are known to be pathogenic (PMID: 8900236, 25404053). This variant is present in population databases (rs764240226, gnomAD 0.002%). This variant has not been reported in the literature in individuals affected with MYO7A-related conditions. Algorithms developed to predict the effect of sequence changes on RNA splicing suggest that this variant may disrupt the consensus splice site. For these reasons, this variant has been classified as Pathogenic.

Blueprint Genetics
Classification: Likely pathogenic for MYO7A-related disorders. Last evaluated: 2023-09-07. Review status: criteria provided, single submitter. Criteria: ACMG Guidelines, 2015. Collection method: clinical testing. Allele origin: germline. Affected: yes. Observed: 2 variant alleles.

Literature cited by the submitters: PubMed 8900236 (cited by Labcorp Genetics (formerly Invitae), Labcorp); PubMed 25404053 (cited by Labcorp Genetics (formerly Invitae), Labcorp).

NM_000260.4(MYO7A):c.5134dup (p.Tyr1712fs)

Gene: MYO7A (myosin VIIA; plus strand). Cytogenetic location: 11q13.5.
Variant type: Duplication.
Coding change: c.5134dup on transcript NM_000260.4 (MANE Select); coding-DNA position 5134, one base duplicated (T; older notation c.5134dupT).
Protein change: p.Tyr1712fs; shifts the reading frame from tyrosine 1712.
Molecular consequence: frameshift variant.
Genome position (GRCh38, 1-based): chr11:77,202,390, T duplicated. VCF-style (leftmost placement, unchanged base first): chr11-77202389-C-CT. GRCh37 (hg19) VCF-style: chr11-76913434-C-CT.
Other names: c.5020dup, p.Tyr1674fs (NM_001127180.2); c.4987dup, p.Tyr1663fs (NM_001369365.1); short protein forms Y1663fs, Y1674fs, Y1712fs.
Identifiers: ClinVar variation 2879331 (VCV002879331.4), dbSNP rs764240226, ClinGen allele CA6198629.